The following is an entry in ClinVar:

NM_001077365.2(POMT1):c.1487-130A>G

Gene: POMT1 (protein O-mannosyltransferase 1; plus strand). Cytogenetic location: 9q34.13.
Variant type: single nucleotide variant.
Coding change: c.1487-130A>G on transcript NM_001077365.2 (MANE Select); 130 bases into the intron before coding-DNA position 1487, A replaced by G.
Molecular consequence: intron variant.
Genome position (GRCh38, 1-based): chr9:131,519,259, A>G. VCF-style: chr9-131519259-A-G. GRCh37 (hg19) VCF-style: chr9-134394646-A-G.
Other names: c.1391-130A>G (NM_001353198.2, NM_001353197.2); c.1553-130A>G (NM_001353193.2, NM_007171.4); c.1487-130A>G (NM_001136113.2); c.1325-130A>G (NM_001353194.2, NM_001077366.2); c.1136-130A>G (NM_001374691.1, NM_001353195.2, NM_001374692.1 and 2 more transcripts); c.1365+722A>G (NM_001374690.1); c.1397-130A>G (NM_001353196.2); c.1097-130A>G (NM_001374695.1); and 3 more.
Identifiers: ClinVar variation 668009 (VCV000668009.2), dbSNP rs2010635, ClinGen allele CA13040153.

ClinVar aggregate classification (germline): Benign. Review status: criteria provided, multiple submitters, no conflicts (2 of 4 stars). 2 submissions from 2 submitters: Benign (2). Last evaluated 2018-06-14.

Allele frequency attached by ClinVar (database versions not stated): 1000 Genomes Project 30x 0.88663; TOPMed 0.88728; 1000 Genomes Project 0.88978; gnomAD 0.90020 and 0.90331; gnomAD exomes 0.94798.
gnomAD v4.1: 914,449 of 972,556 alleles (94%); highest among the groups gnomAD compares: South Asian, 97%; 431,033 homozygotes.

Submissions (2):

GeneDx
Classification: Benign. Last evaluated: 2018-06-14. Review status: criteria provided, single submitter. Criteria: GeneDx Variant Classification (06012015). Collection method: clinical testing. Allele origin: germline. Affected: yes.
Comment: This variant is considered likely benign or benign based on one or more of the following criteria: it is a conservative change, it occurs at a poorly conserved position in the protein, it is predicted to be benign by multiple in silico algorithms, and/or has population frequency not consistent with disease.

Breakthrough Genomics
Classification: Benign. Review status: criteria provided, single submitter. Criteria: ACMG Guidelines, 2015. Collection method: not provided. Allele origin: germline. Inheritance: Autosomal recessive inheritance. Affected: yes.